The following is an entry in ClinVar:

ClinVar aggregate classification (germline): Conflicting classifications of pathogenicity. Review status: criteria provided, conflicting classifications (1 of 4 stars). 4 submissions from 4 submitters: Uncertain significance (2); Likely benign (2). Last evaluated 2025-11-01.

Conditions:
Autoinflammatory syndrome. Identifiers: Orphanet 93665, MedGen C3890737, MONDO:0019751.
Pyogenic arthritis-pyoderma gangrenosum-acne syndrome (PAPA). Also called: PAPA SYNDROME; FAMILIAL RECURRENT ARTHRITIS. Identifiers: Orphanet 69126, MedGen C1858361, MONDO:0011462, OMIM 604416.

Allele frequency attached by ClinVar (database versions not stated): gnomAD 0.00001; TOPMed 0.00002.

Submissions (4):

CeGaT Center for Human Genetics Tuebingen
Classification: Likely benign. Last evaluated: 2025-11-01. Review status: criteria provided, single submitter. Criteria: CeGaT Center For Human Genetics Tuebingen Variant Classification Criteria Version 2. Collection method: clinical testing. Allele origin: germline. Affected: yes. Observed: 1 variant allele.
Comment: PSTPIP1: BP4

Labcorp Genetics (formerly Invitae), Labcorp
Classification: Uncertain significance for Pyogenic arthritis-pyoderma gangrenosum-acne syndrome. Last evaluated: 2024-05-12. Review status: criteria provided, single submitter. Criteria: Invitae Variant Classification Sherloc (09022015). Collection method: clinical testing. Allele origin: germline.
Comment: This sequence change replaces arginine, which is basic and polar, with glutamine, which is neutral and polar, at codon 210 of the PSTPIP1 protein (p.Arg210Gln). This variant is present in population databases (rs776576205, gnomAD 0.005%). This variant has not been reported in the literature in individuals affected with PSTPIP1-related conditions. ClinVar contains an entry for this variant (Variation ID: 317178). Advanced modeling of protein sequence and biophysical properties (such as structural, functional, and spatial information, amino acid conservation, physicochemical variation, residue mobility, and thermodynamic stability) performed at Invitae indicates that this missense variant is not expected to disrupt PSTPIP1 protein function with a negative predictive value of 80%. In summary, the available evidence is currently insufficient to determine the role of this variant in disease. Therefore, it has been classified as a Variant of Uncertain Significance.

Illumina Laboratory Services, Illumina
Classification: Likely benign for Pyogenic arthritis-pyoderma gangrenosum-acne syndrome. Last evaluated: 2018-01-13. Review status: criteria provided, single submitter. Criteria: ICSL Variant Classification Criteria 13 December 2019. Collection method: clinical testing. Allele origin: germline.
Comment: This variant was observed in the ICSL laboratory as part of a predisposition screen in an ostensibly healthy population. It had not been previously curated by ICSL or reported in the Human Gene Mutation Database (HGMD: prior to June 1st, 2018), and was therefore a candidate for classification through an automated scoring system. Utilizing variant allele frequency, disease prevalence and penetrance estimates, and inheritance mode, an automated score was calculated to assess if this variant is too frequent to cause the disease. Based on the score and internal cut-off values, a variant classified as likely benign is not then subjected to further curation. The score for this variant resulted in a classification of likely benign for this disease.

Genome Diagnostics Laboratory, The Hospital for Sick Children
Classification: Uncertain significance for Autoinflammatory syndrome. Last evaluated: 2017-05-02. Review status: criteria provided, single submitter. Criteria: ACMG Guidelines, 2015. Collection method: clinical testing. Allele origin: germline. Affected: yes.

NM_003978.5(PSTPIP1):c.629G>A (p.Arg210Gln)

Gene: PSTPIP1 (proline-serine-threonine phosphatase interacting protein 1; plus strand). Cytogenetic location: 15q24.3.
Variant type: single nucleotide variant.
Coding change: c.629G>A on transcript NM_003978.5 (MANE Select); coding-DNA position 629, G replaced by A.
Protein change: p.Arg210Gln; replaces arginine 210 with glutamine.
Molecular consequence: missense variant.
Genome position (GRCh38, 1-based): chr15:77,030,568, G>A. VCF-style: chr15-77030568-G-A. GRCh37 (hg19) VCF-style: chr15-77322909-G-A.
Other names: c.629G>A (LRG_172t1); c.629G>A, p.Arg210Gln (NM_001321135.2); c.602G>A, p.Arg201Gln (NM_001321136.2); c.824G>A, p.Arg275Gln (NM_001321137.1); short protein forms R210Q, R201Q, R275Q.
Identifiers: ClinVar variation 317178 (VCV000317178.23), dbSNP rs776576205, ClinGen allele CA7675907.